The following is an entry in ClinVar:

ClinVar aggregate classification (germline): Uncertain significance. Review status: criteria provided, multiple submitters, no conflicts (2 of 4 stars). 2 submissions from 2 submitters: Uncertain significance (2). Last evaluated 2026-02-14.

Conditions:
Hereditary cancer-predisposing syndrome. Also called: Tumor predisposition; Hereditary neoplastic syndrome; Hereditary Cancer Syndrome; Neoplastic Syndromes, Hereditary. Identifiers: Orphanet 140162, MedGen C0027672, MeSH D009386, MONDO:0015356.
Microcephaly, normal intelligence and immunodeficiency (NBS). Also called: Nijmegen breakage syndrome; Microcephaly with normal intelligence immunodeficiency and lymphoreticular malignancies; Nonsyndromal microcephaly autosomal recessive with normal intelligence; Seemanova syndrome 2; IMMUNODEFICIENCY, MICROCEPHALY, AND CHROMOSOMAL INSTABILITY; Ataxia telangiectasia variant V1. Identifiers: Orphanet 647, MedGen C0398791, MONDO:0009623, OMIM 251260.

Submissions (2):

Ambry Genetics
Classification: Uncertain significance for Hereditary cancer-predisposing syndrome. Last evaluated: 2026-02-14. Review status: criteria provided, single submitter. Criteria: Ambry Variant Classification Scheme 2023. Collection method: clinical testing. Allele origin: germline.
Comment: The p.P609S variant (also known as c.1825C>T), located in coding exon 11 of the NBN gene, results from a C to T substitution at nucleotide position 1825. The proline at codon 609 is replaced by serine, an amino acid with similar properties. This amino acid position is conserved. In addition, this alteration is predicted to be tolerated by in silico analysis. Based on the available evidence, the clinical significance of this variant remains unclear.

Labcorp Genetics (formerly Invitae), Labcorp
Classification: Uncertain significance for Microcephaly, normal intelligence and immunodeficiency. Last evaluated: 2019-09-06. Review status: criteria provided, single submitter. Criteria: Invitae Variant Classification Sherloc (09022015). Collection method: clinical testing. Allele origin: germline.
Comment: Algorithms developed to predict the effect of missense changes on protein structure and function output the following: SIFT: "Tolerated"; PolyPhen-2: "Benign"; Align-GVGD: "Class C0". The serine amino acid residue is found in multiple mammalian species, suggesting that this missense change does not adversely affect protein function. These predictions have not been confirmed by published functional studies and their clinical significance is uncertain. In summary, the available evidence is currently insufficient to determine the role of this variant in disease. Therefore, it has been classified as a Variant of Uncertain Significance. This variant has not been reported in the literature in individuals with NBN-related conditions. This variant is not present in population databases (ExAC no frequency). This sequence change replaces proline with serine at codon 609 of the NBN protein (p.Pro609Ser). The proline residue is weakly conserved and there is a moderate physicochemical difference between proline and serine.

NM_002485.5(NBN):c.1825C>T (p.Pro609Ser)

Gene: NBN (nibrin; minus strand). Cytogenetic location: 8q21.3.
Variant type: single nucleotide variant.
Coding change: c.1825C>T on transcript NM_002485.5 (MANE Select); coding-DNA position 1825, C replaced by T.
Protein change: p.Pro609Ser; replaces proline 609 with serine.
Molecular consequence: missense variant.
Genome position (GRCh38, 1-based): chr8:89,953,264, G>A on the plus strand (C>T on the coding strand, the complement: NBN is on the minus strand). VCF-style: chr8-89953264-G-A. GRCh37 (hg19) VCF-style: chr8-90965492-G-A.
Other names: c.1579C>T, p.Pro527Ser (NM_001024688.3); short protein forms P527S, P609S.
Identifiers: ClinVar variation 933632 (VCV000933632.10), dbSNP rs372012641, ClinGen allele CA371655006.